The following is an entry in ClinVar:

NM_153033.5(KCTD7):c.753C>A (p.Asp251Glu)

Gene: KCTD7 (potassium channel tetramerization domain containing 7; plus strand). Cytogenetic location: 7q11.21.
Variant type: single nucleotide variant.
Coding change: c.753C>A on transcript NM_153033.5 (MANE Select); coding-DNA position 753, C replaced by A.
Protein change: p.Asp251Glu; replaces aspartic acid 251 with glutamic acid.
Molecular consequence: missense variant.
Genome position (GRCh38, 1-based): chr7:66,639,115, C>A. VCF-style: chr7-66639115-C-A. GRCh37 (hg19) VCF-style: chr7-66104102-C-A.
Other names: c.753C>A, p.Asp251Glu (NM_001167961.2); short protein forms D251E.
Identifiers: ClinVar variation 3901762 (VCV003901762.1).

ClinVar aggregate classification (germline): Uncertain significance (1 of 4 stars; one submission).

Submission:

GeneDx
Classification: Uncertain significance. Last evaluated: 2024-12-08. Review status: criteria provided, single submitter. Criteria: GeneDx Variant Classification Process June 2021. Collection method: clinical testing. Allele origin: germline. Affected: yes.
Comment: Not observed at significant frequency in large population cohorts (gnomAD); In silico analysis supports that this missense variant has a deleterious effect on protein structure/function; Has not been previously published as pathogenic or benign to our knowledge